The following is an entry in ClinVar:

NM_198529.4(EFCAB5):c.1496C>T (p.Ser499Leu)

Gene: EFCAB5 (EF-hand calcium binding domain 5; plus strand). Cytogenetic location: 17q11.2.
Variant type: single nucleotide variant.
Coding change: c.1496C>T on transcript NM_198529.4 (MANE Select); coding-DNA position 1496, C replaced by T.
Protein change: p.Ser499Leu; replaces serine 499 with leucine.
Molecular consequence: missense variant. On other transcripts: non-coding transcript variant (1).
Genome position (GRCh38, 1-based): chr17:30,053,450, C>T. VCF-style: chr17-30053450-C-T. GRCh37 (hg19) VCF-style: chr17-28380468-C-T.
Other names: c.1328C>T, p.Ser443Leu (NM_001145053.2); short protein forms S443L, S499L.
Identifiers: ClinVar variation 3034333 (VCV003034333.3), dbSNP rs182672483, ClinGen allele CA8478801.

ClinVar aggregate classification (germline): Uncertain significance. Review status: criteria provided, single submitter (1 of 4 stars). 2 submissions from 2 submitters: Uncertain significance (1). 1 of the submissions does not count toward it. Last evaluated 2025-09-10.

Conditions:
EFCAB5-related disorder. Also called: EFCAB5-related condition.

Allele frequency attached by ClinVar (database versions not stated): gnomAD exomes 0.00013; ExAC 0.00043; gnomAD 0.00123; TOPMed 0.00129; ESP Exome Variant Server 0.00172; 1000 Genomes Project 0.00319; 1000 Genomes Project 30x 0.00390.
gnomAD v4.1: 391 of 1,613,968 alleles (0.024%); highest among the groups gnomAD compares: African/African-American, 0.45%; no homozygotes.

Submissions (2):

Ambry Genetics
Classification: Uncertain significance. Last evaluated: 2025-09-10. Review status: criteria provided, single submitter. Criteria: Ambry Variant Classification Scheme 2023. Collection method: clinical testing. Allele origin: germline.

PreventionGenetics, part of Exact Sciences
Classification: Benign for EFCAB5-related condition. Last evaluated: 2019-03-25. Review status: no assertion criteria provided. Collection method: clinical testing. Allele origin: germline. Not counted in ClinVar's aggregate classification.
Comment: This variant is classified as benign based on ACMG/AMP sequence variant interpretation guidelines (Richards et al. 2015 PMID: 25741868, with internal and published modifications).